The following is an entry in ClinVar:

ClinVar aggregate classification (germline): Uncertain significance (1 of 4 stars; one submission).

Allele frequency attached by ClinVar (database versions not stated): gnomAD 0.00003; TOPMed 0.00003; gnomAD exomes 0.00004; ExAC 0.00006; ESP Exome Variant Server 0.00015.

Submission:

Labcorp Genetics (formerly Invitae), Labcorp
Classification: Uncertain significance. Last evaluated: 2025-03-10. Review status: criteria provided, single submitter. Criteria: Invitae Variant Classification Sherloc (09022015). Collection method: clinical testing. Allele origin: germline.
Comment: This sequence change replaces arginine, which is basic and polar, with histidine, which is basic and polar, at codon 2002 of the NUP205 protein (p.Arg2002His). This variant is present in population databases (rs368793784, gnomAD 0.2%). This variant has not been reported in the literature in individuals affected with NUP205-related conditions. ClinVar contains an entry for this variant (Variation ID: 2139641). An algorithm developed to predict the effect of missense changes on protein structure and function (PolyPhen-2) suggests that this variant is likely to be disruptive. In summary, the available evidence is currently insufficient to determine the role of this variant in disease. Therefore, it has been classified as a Variant of Uncertain Significance.

NM_015135.3(NUP205):c.6005G>A (p.Arg2002His)

Gene: NUP205 (nucleoporin 205; plus strand). Cytogenetic location: 7q33.
Variant type: single nucleotide variant.
Coding change: c.6005G>A on transcript NM_015135.3 (MANE Select); coding-DNA position 6005, G replaced by A.
Protein change: p.Arg2002His; replaces arginine 2002 with histidine.
Molecular consequence: missense variant.
Genome position (GRCh38, 1-based): chr7:135,648,522, G>A. VCF-style: chr7-135648522-G-A. GRCh37 (hg19) VCF-style: chr7-135333270-G-A.
Other names: c.4931G>A, p.Arg1644His (NM_001329434.2); short protein forms R2002H, R1644H.
Identifiers: ClinVar variation 2139641 (VCV002139641.4), dbSNP rs368793784, ClinGen allele CA4499352.